The following is an entry in ClinVar:

NM_130839.5(UBE3A):c.2239T>C (p.Phe747Leu)

Genes: SNHG14 (small nucleolar RNA host gene 14; plus strand), UBE3A (ubiquitin protein ligase E3A; minus strand). Cytogenetic location: 15q11.2.
Variant type: single nucleotide variant.
Coding change: c.2239T>C on transcript NM_130839.5 (MANE Select); coding-DNA position 2239, T replaced by C.
Protein change: p.Phe747Leu; replaces phenylalanine 747 with leucine.
Molecular consequence: missense variant. On other transcripts: non-coding transcript variant (1), intron variant (3).
Genome position (GRCh38, 1-based): chr15:25,354,569, A>G on the plus strand (T>C on the coding strand, the complement: UBE3A is on the minus strand). VCF-style: chr15-25354569-A-G. GRCh37 (hg19) VCF-style: chr15-25599716-A-G.
Other names: c.2179T>C (NM_130838.1); c.2248T>C, p.Phe750Leu (NM_000462.5); c.2239T>C, p.Phe747Leu (NM_001354505.1, NM_001354538.2); c.2179T>C, p.Phe727Leu (NM_001354506.2, NM_001354507.2, NM_001354508.2 and 14 more transcripts); c.2065-143T>C (NM_001354548.2, NM_001354547.2); c.2125-143T>C (NM_001354545.2); c.2062T>C, p.Phe688Leu (NM_001354546.2); c.2014T>C, p.Phe672Leu (NM_001354549.2); and 2 more; short protein forms F310L, F727L, F688L, F750L, F330L, F672L, F747L.
Identifiers: ClinVar variation 1407598 (VCV001407598.8), dbSNP rs2076968651, ClinGen allele CA391351695.

ClinVar aggregate classification (germline): Uncertain significance. Review status: criteria provided, multiple submitters, no conflicts (2 of 4 stars). 2 submissions from 2 submitters: Uncertain significance (2). Last evaluated 2024-11-20.

Conditions:
Angelman syndrome (AS). Also called: HAPPY PUPPET SYNDROME. Identifiers: Orphanet 72, MedGen C0162635, MONDO:0007113, OMIM 105830. Disease mechanism: loss of function. Inheritance: AS is caused by disruption of maternally imprinted UBE3A located within the 15q11.2-q13 Angelman syndrome/Prader-Willi syndrome (AS/PWS) region., imprinting disorder.

Allele frequency attached by ClinVar (database versions not stated): gnomAD exomes below 0.00001.
gnomAD v4.1: 1 of 1,613,970 alleles (0.000062%); highest among the groups gnomAD compares: Non-Finnish European, 0.000085%; no homozygotes.

Submissions (2):

GeneDx
Classification: Uncertain significance. Last evaluated: 2024-11-20. Review status: criteria provided, single submitter. Criteria: GeneDx Variant Classification Process June 2021. Collection method: clinical testing. Allele origin: germline. Affected: yes.
Comment: Not observed at significant frequency in large population cohorts (gnomAD); In silico analysis supports that this missense variant has a deleterious effect on protein structure/function; Has not been previously published as pathogenic or benign to our knowledge

Labcorp Genetics (formerly Invitae), Labcorp
Classification: Uncertain significance for Angelman syndrome. Last evaluated: 2022-10-26. Review status: criteria provided, single submitter. Criteria: Invitae Variant Classification Sherloc (09022015). Collection method: clinical testing. Allele origin: germline.
Comment: In summary, the available evidence is currently insufficient to determine the role of this variant in disease. Therefore, it has been classified as a Variant of Uncertain Significance. Advanced modeling of protein sequence and biophysical properties (such as structural, functional, and spatial information, amino acid conservation, physicochemical variation, residue mobility, and thermodynamic stability) has been performed at Invitae for this missense variant, however the output from this modeling did not meet the statistical confidence thresholds required to predict the impact of this variant on UBE3A protein function. ClinVar contains an entry for this variant (Variation ID: 1407598). This variant has not been reported in the literature in individuals affected with UBE3A-related conditions. This variant is not present in population databases (gnomAD no frequency). This sequence change replaces phenylalanine, which is neutral and non-polar, with leucine, which is neutral and non-polar, at codon 727 of the UBE3A protein (p.Phe727Leu).